The following is an entry in ClinVar:

ClinVar aggregate classification (germline): Uncertain significance. Review status: criteria provided, multiple submitters, no conflicts (2 of 4 stars). 2 submissions from 2 submitters: Uncertain significance (2). Last evaluated 2025-04-02.

Conditions:
Inborn genetic diseases. Identifiers: MedGen C0950123, MeSH D030342.

Allele frequency attached by ClinVar (database versions not stated): gnomAD exomes below 0.00001 and 0.00001; ExAC 0.00001.
gnomAD v4.1: 1 of 1,614,208 alleles (0.000062%); highest among the groups gnomAD compares: Admixed American, 0.0017%; no homozygotes.

Submissions (2):

Labcorp Genetics (formerly Invitae), Labcorp
Classification: Uncertain significance. Last evaluated: 2025-04-02. Review status: criteria provided, single submitter. Criteria: Invitae Variant Classification Sherloc (09022015). Collection method: clinical testing. Allele origin: germline.
Comment: This sequence change replaces glutamic acid, which is acidic and polar, with glutamine, which is neutral and polar, at codon 123 of the JAK1 protein (p.Glu123Gln). This variant is present in population databases (rs765863050, gnomAD 0.006%). This variant has not been reported in the literature in individuals affected with JAK1-related conditions. ClinVar contains an entry for this variant (Variation ID: 1369454). Invitae Evidence Modeling of protein sequence and biophysical properties (such as structural, functional, and spatial information, amino acid conservation, physicochemical variation, residue mobility, and thermodynamic stability) indicates that this missense variant is not expected to disrupt JAK1 protein function with a negative predictive value of 80%. In summary, the available evidence is currently insufficient to determine the role of this variant in disease. Therefore, it has been classified as a Variant of Uncertain Significance.

Ambry Genetics
Classification: Uncertain significance for Inborn genetic diseases. Last evaluated: 2021-07-20. Review status: criteria provided, single submitter. Criteria: Ambry Variant Classification Scheme 2023. Collection method: clinical testing. Allele origin: germline.

NM_002227.4(JAK1):c.367G>C (p.Glu123Gln)

Gene: JAK1 (Janus kinase 1; minus strand). Cytogenetic location: 1p31.3.
Variant type: single nucleotide variant.
Coding change: c.367G>C on transcript NM_002227.4 (MANE Select); coding-DNA position 367, G replaced by C.
Protein change: p.Glu123Gln; replaces glutamic acid 123 with glutamine.
Molecular consequence: missense variant.
Genome position (GRCh38, 1-based): chr1:64,873,486, C>G on the plus strand (G>C on the coding strand, the complement: JAK1 is on the minus strand). VCF-style: chr1-64873486-C-G. GRCh37 (hg19) VCF-style: chr1-65339169-C-G.
Other names: c.367G>C, p.Glu123Gln (NM_001320923.2, NM_001321852.2, NM_001321853.2 and 4 more transcripts); c.367G>C (NM_002227.2); short protein forms E123Q.
Identifiers: ClinVar variation 1369454 (VCV001369454.9), dbSNP rs765863050, ClinGen allele CA893170.
Genomic context (GRCh38, chr1:64,873,486, plus strand): 5'-TCTTTTTTTTCTCGTAGCCATTTTTCTGCTTCTTTGGAGAATGACGCCACACTGACTGCT[C>G]ATTGTCGTTGGTTCCATGCCAATTGGTGAAATAGAACCTGGAAGGCAGGAAAATGAATGC-3'
Protein context (NP_002218.2, residues 113-133): FTNWHGTNDN[Glu123Gln]QSVWRHSPKK